The following is an entry in ClinVar:

NM_001111067.4(ACVR1):c.1204G>T (p.Val402Phe)

Gene: ACVR1 (activin A receptor type 1; minus strand). Cytogenetic location: 2q24.1.
Variant type: single nucleotide variant.
Coding change: c.1204G>T on transcript NM_001111067.4 (MANE Select); coding-DNA position 1204, G replaced by T.
Protein change: p.Val402Phe; replaces valine 402 with phenylalanine.
Molecular consequence: missense variant.
Genome position (GRCh38, 1-based): chr2:157,760,940, C>A on the plus strand (G>T on the coding strand, the complement: ACVR1 is on the minus strand). VCF-style: chr2-157760940-C-A. GRCh37 (hg19) VCF-style: chr2-158617452-C-A.
Other names: c.1204G>T, p.Val402Phe (NM_001105.5, NM_001347663.1, NM_001347664.1 and 3 more transcripts); short protein forms V402F.
Identifiers: ClinVar variation 2977471 (VCV002977471.3), dbSNP rs773531681, ClinGen allele CA1918999.

ClinVar aggregate classification (germline): Uncertain significance (1 of 4 stars; one submission).

Allele frequency attached by ClinVar (database versions not stated): ExAC 0.00001; gnomAD 0.00001.
gnomAD v4.1: 8 of 1,614,038 alleles (0.0005%); highest among the groups gnomAD compares: Non-Finnish European, 0.00068%; no homozygotes.

Submission:

Labcorp Genetics (formerly Invitae), Labcorp
Classification: Uncertain significance. Last evaluated: 2024-01-02. Review status: criteria provided, single submitter. Criteria: Invitae Variant Classification Sherloc (09022015). Collection method: clinical testing. Allele origin: germline.
Comment: This sequence change replaces valine, which is neutral and non-polar, with phenylalanine, which is neutral and non-polar, at codon 402 of the ACVR1 protein (p.Val402Phe). This variant is present in population databases (rs773531681, gnomAD 0.002%). This variant has not been reported in the literature in individuals affected with ACVR1-related conditions. An algorithm developed to predict the effect of missense changes on protein structure and function (PolyPhen-2) suggests that this variant is likely to be disruptive. Algorithms developed to predict the effect of sequence changes on RNA splicing suggest that this variant may create or strengthen a splice site. In summary, the available evidence is currently insufficient to determine the role of this variant in disease. Therefore, it has been classified as a Variant of Uncertain Significance.